The following is an entry in ClinVar:

ClinVar aggregate classification (germline): Uncertain significance (1 of 4 stars; one submission).

Conditions:
Hereditary breast ovarian cancer syndrome. Also called: Hereditary breast and ovarian cancer syndrome (HBOC); Hereditary breast and ovarian cancer; Breast and ovarian cancer; Hereditary breast and/or ovarian cancer syndrome; BRCA1- and BRCA2-Associated Hereditary Breast and Ovarian Cancer; Hereditary breast and ovarian cancer syndrome. Identifiers: Orphanet 145, MedGen C0677776, MeSH D061325, MONDO:0003582. Disease mechanism: loss of function.

Submission:

Labcorp Genetics (formerly Invitae), Labcorp
Classification: Uncertain significance for Hereditary breast ovarian cancer syndrome. Last evaluated: 2025-10-21. Review status: criteria provided, single submitter. Criteria: Invitae Variant Classification Sherloc (09022015). Collection method: clinical testing. Allele origin: germline.
Comment: This sequence change replaces proline, which is neutral and non-polar, with leucine, which is neutral and non-polar, at codon 1554 of the BRCA1 protein (p.Pro1554Leu). This variant is not present in population databases (gnomAD no frequency). This variant has not been reported in the literature in individuals affected with BRCA1-related conditions. Invitae Evidence Modeling of protein sequence and biophysical properties (such as structural, functional, and spatial information, amino acid conservation, physicochemical variation, residue mobility, and thermodynamic stability) indicates that this missense variant is not expected to disrupt BRCA1 protein function with a negative predictive value of 95%. In summary, the available evidence is currently insufficient to determine the role of this variant in disease. Therefore, it has been classified as a Variant of Uncertain Significance.

NM_007294.4(BRCA1):c.4661C>T (p.Pro1554Leu)

Gene: BRCA1 (BRCA1 DNA repair associated; minus strand). Cytogenetic location: 17q21.31.
Variant type: single nucleotide variant.
Coding change: c.4661C>T on transcript NM_007294.4 (MANE Select); coding-DNA position 4661, C replaced by T.
Protein change: p.Pro1554Leu; replaces proline 1554 with leucine.
Molecular consequence: missense variant. On other transcripts: intron variant (3).
Genome position (GRCh38, 1-based): chr17:43,074,345, G>A on the plus strand (C>T on the coding strand, the complement: BRCA1 is on the minus strand). VCF-style: chr17-43074345-G-A. GRCh37 (hg19) VCF-style: chr17-41226362-G-A.
Other names: c.1136C>T, p.Pro379Leu (NM_001408493.1, NM_001408492.1); c.1112C>T, p.Pro371Leu (NM_001408494.1); c.1106C>T, p.Pro369Leu (NM_001408495.1); c.1088C>T, p.Pro363Leu (NM_001408496.1, NM_001408497.1, NM_001408498.1 and 3 more transcripts); c.1085C>T, p.Pro362Leu (NM_001408502.1, NM_001408503.1, NM_001408504.1); c.1022C>T, p.Pro341Leu (NM_001408507.1); c.1082C>T, p.Pro361Leu (NM_001408505.1); c.1025C>T, p.Pro342Leu (NM_001408506.1); and 71 more; short protein forms P1257L, P1258L, P1385L, P1425L, P1426L, P1427L, P1441L, P1442L.
Identifiers: ClinVar variation 4800827 (VCV004800827.1).
Genomic context (GRCh38, chr17:43,074,345, plus strand): 5'-GAGTAAAATCAAAGTGTTTGTTCCAATACAGCAGATGAAATATTACCTAGATCTTGCCTT[G>A]GCAAGTAAGATGTTTCCGTCAAATCGTGTGGCCCAGACTCTTCCAGCTGTTGCTCCTCCA-3'
Protein context (NP_009225.1, residues 1544-1564): PHDLTETSYL[Pro1554Leu]RQDLEGTPYL